The following is an entry in ClinVar:

NM_020975.6(RET):c.3226C>T (p.Pro1076Ser)

Gene: RET (ret proto-oncogene; plus strand). Cytogenetic location: 10q11.21.
Variant type: single nucleotide variant.
Coding change: c.3226C>T on transcript NM_020975.6 (MANE Select); coding-DNA position 3226, C replaced by T.
Protein change: p.Pro1076Ser; replaces proline 1076 with serine.
Molecular consequence: missense variant.
Genome position (GRCh38, 1-based): chr10:43,128,150, C>T. VCF-style: chr10-43128150-C-T. GRCh37 (hg19) VCF-style: chr10-43623598-C-T.
Other names: short protein forms P1076S.
Identifiers: ClinVar variation 1378768 (VCV001378768.8), dbSNP rs2133048192, ClinGen allele CA376558903.

ClinVar aggregate classification (germline): Uncertain significance (1 of 4 stars; one submission).

Conditions:
Multiple endocrine neoplasia, type 2 (MEN2). Identifiers: Orphanet 653, MedGen C4048306, MONDO:0019003. Disease mechanism: gain of function.

Submission:

Labcorp Genetics (formerly Invitae), Labcorp
Classification: Uncertain significance for Multiple endocrine neoplasia, type 2. Last evaluated: 2021-01-13. Review status: criteria provided, single submitter. Criteria: Invitae Variant Classification Sherloc (09022015). Collection method: clinical testing. Allele origin: germline.
Comment: This variant is not present in population databases (ExAC no frequency). In summary, the available evidence is currently insufficient to determine the role of this variant in disease. Therefore, it has been classified as a Variant of Uncertain Significance. Algorithms developed to predict the effect of missense changes on protein structure and function (SIFT, PolyPhen-2, Align-GVGD) all suggest that this variant is likely to be disruptive, but these predictions have not been confirmed by published functional studies and their clinical significance is uncertain. This variant has not been reported in the literature in individuals with RET-related conditions. This sequence change replaces proline with serine at codon 1076 of the RET protein (p.Pro1076Ser). The proline residue is highly conserved and there is a moderate physicochemical difference between proline and serine.